The following is an entry in ClinVar:

ClinVar aggregate classification (germline): Benign (0 of 4 stars; one submission).

Conditions:
ZFHX3-related disorder. Also called: ZFHX3-related condition.

Allele frequency attached by ClinVar (database versions not stated): 1000 Genomes Project 30x 0.02670; 1000 Genomes Project 0.02736; TOPMed 0.04472; gnomAD 0.04823; ESP Exome Variant Server 0.05054; ExAC 0.05663.
gnomAD v4.1: 110,212 of 1,595,748 alleles (6.9%); highest among the groups gnomAD compares: Non-Finnish European, 8%; 4,349 homozygotes.

Submission:

PreventionGenetics, part of Exact Sciences
Classification: Benign for ZFHX3-related condition. Last evaluated: 2019-07-15. Review status: no assertion criteria provided. Collection method: clinical testing. Allele origin: germline.
Comment: This variant is classified as benign based on ACMG/AMP sequence variant interpretation guidelines (Richards et al. 2015 PMID: 25741868, with internal and published modifications).

NM_006885.4(ZFHX3):c.339C>T (p.Ala113=)

Gene: ZFHX3 (zinc finger homeobox 3; minus strand). Cytogenetic location: 16q22.3.
Variant type: single nucleotide variant.
Coding change: c.339C>T on transcript NM_006885.4 (MANE Select); coding-DNA position 339, C replaced by T.
Protein change: p.Ala113=; no amino-acid change (alanine 113 retained).
Molecular consequence: synonymous variant. On other transcripts: intron variant (1).
Genome position (GRCh38, 1-based): chr16:72,959,807, G>A on the plus strand (C>T on the coding strand, the complement: ZFHX3 is on the minus strand). VCF-style: chr16-72959807-G-A. GRCh37 (hg19) VCF-style: chr16-72993706-G-A.
Other names: c.339C>T, p.Ala113= (NM_001386735.1); c.-23-8842C>T (NM_001164766.2).
Identifiers: ClinVar variation 3055809 (VCV003055809.2), dbSNP rs62053191, ClinGen allele CA8165018.